The following continues an entry in ClinVar:

NM_000350.3(ABCA4):c.2791G>A (p.Val931Met)

Gene: ABCA4. ClinVar aggregate classification (germline): Conflicting classifications of pathogenicity. Pathogenic (6); Likely pathogenic (6); Uncertain significance (1).

Submissions 12 to 17 of 17:

Victorian Clinical Genetics Services, Murdoch Childrens Research Institute
Classification: Likely pathogenic for Severe early-childhood-onset retinal dystrophy. Last evaluated: 2022-02-02. Review status: criteria provided, single submitter. Criteria: ACMG Guidelines, 2015. Collection method: clinical testing. Allele origin: germline. Inheritance: Autosomal recessive inheritance. Affected: yes.
Comment: Based on the classification scheme VCGS_Germline_v1.3.4, this variant is classified as Likely pathogenic. Following criteria are met: 0102 - Loss of function is a known mechanism of disease in this gene and is associated with cone-rod dystrophy 3 (MIM#604116), fundus flavimaculatus (MIM#248200), early-onset severe retinal dystrophy (MIM#248200), retinitis pigmentosa 19 (MIM#601718) and Stargardt disease 1 (MIM#248200). (I) 0106 - This gene is associated with autosomal recessive disease. (I) 0200 - Variant is predicted to result in a missense amino acid change from valine to methionine. (I) 0251 - This variant is heterozygous. (I) 0304 - Variant is present in gnomAD <0.01 for a recessive condition (v3: 190 heterozygotes, 0 homozygote). (SP) 0309 - An alternative amino acid change at the same position has been observed in gnomAD (p.(Val931Ala)) (7 heterozygotes, 0 homozygotes). (I) 0502 - Missense variant with conflicting in silico predictions and uninformative conservation. (I) 0600 - Variant is located in the annotated ABC transporter domain 1 (UniProt). (I) 0708 - Another missense variant comparable to the one identified in this case has conflicting previous evidence for pathogenicity. The p.(Val931Leu) variant has been classified as both Pathogenic and Variant of Uncertain Significance, with limited or no evidence for their respective classification (ClinVar; PMID: 31213501). (I) 0801 - This variant has strong previous evidence of pathogenicity in unrelated individuals. This variant has been identified in multiple individuals with Stargardt disease; however it should be noted that some studies have also classified this variant as benign or likely benign (ClinVar; PMIDs: 9054934, 23755871, 23755871, 30093795, 23769331, 25082829, 31456290, 32619608). (I) 0905 - No published segregation evidence has been identified for this variant. (I) 1007 - No published functional evidence has been identified for this variant. (I) 1102 - Strong phenotype match for this individual. (SP) 1201 - Heterozygous variant detected in trans with a second pathogenic heterozygous variant (NM_000350.2(ABCA4):c.4981del; p.(Leu1661*)) in a recessive disease. Legend: (SP) - Supporting pathogenic, (I) - Information, (SB) - Supporting benign

Eurofins Ntd Llc (ga)
Classification: Likely pathogenic. Last evaluated: 2016-10-19. Review status: criteria provided, single submitter. Criteria: EGL Classification Definitions 2015. Collection method: clinical testing. Allele origin: germline. Observed: 1 variant allele, 1 heterozygote.

Clinical Genetics Laboratory, University Hospital Schleswig-Holstein
Classification: Pathogenic for Severe early-childhood-onset retinal dystrophy. Last evaluated: 2024-06-07. Review status: no assertion criteria provided. Collection method: clinical testing. Allele origin: germline. Affected: yes. Not counted in ClinVar's aggregate classification.

Sharon lab, Hadassah-Hebrew University Medical Center
Classification: Pathogenic for Stargardt disease. Last evaluated: 2019-06-23. Review status: no assertion criteria provided. Collection method: research. Allele origin: inherited. Affected: yes. Not counted in ClinVar's aggregate classification.

OMIM
Classification: Pathogenic for STARGARDT DISEASE 1. Last evaluated: 1997-03-01. Review status: no assertion criteria provided. Collection method: literature only. Allele origin: germline. Not counted in ClinVar's aggregate classification.

Retina International
No classification provided. Review status: no classification provided. Collection method: not provided. Allele origin: not provided. Not counted in ClinVar's aggregate classification.

Literature cited by the submitters: PubMed 9973280 (cited by Women's Health and Genetics/Laboratory Corporation of America, LabCorp and Labcorp Genetics (formerly Invitae), Labcorp); PubMed 19265867 (cited by Women's Health and Genetics/Laboratory Corporation of America, LabCorp); PubMed 23755871 (cited by 3 submitters); PubMed 28365912 (cited by Women's Health and Genetics/Laboratory Corporation of America, LabCorp); PubMed 29114839 (cited by Women's Health and Genetics/Laboratory Corporation of America, LabCorp and Labcorp Genetics (formerly Invitae), Labcorp); PubMed 37498587 (cited by Women's Health and Genetics/Laboratory Corporation of America, LabCorp); PubMed 9054934 (cited by 4 submitters); PubMed 19365591 (cited by Women's Health and Genetics/Laboratory Corporation of America, LabCorp and Labcorp Genetics (formerly Invitae), Labcorp); PubMed 28430335 (cited by Labcorp Genetics (formerly Invitae), Labcorp); PubMed 30093795 (cited by Labcorp Genetics (formerly Invitae), Labcorp and Victorian Clinical Genetics Services, Murdoch Childrens Research Institute); PubMed 23769331 (cited by Victorian Clinical Genetics Services, Murdoch Childrens Research Institute); PubMed 25082829 (cited by Victorian Clinical Genetics Services, Murdoch Childrens Research Institute); PubMed 31213501 (cited by Victorian Clinical Genetics Services, Murdoch Childrens Research Institute); PubMed 31456290 (cited by Victorian Clinical Genetics Services, Murdoch Childrens Research Institute); PubMed 32619608 (cited by Victorian Clinical Genetics Services, Murdoch Childrens Research Institute).